The following is an entry in ClinVar:

ClinVar aggregate classification (germline): Pathogenic (1 of 4 stars; one submission).

Submission:

Labcorp Genetics (formerly Invitae), Labcorp
Classification: Pathogenic. Last evaluated: 2019-09-21. Review status: criteria provided, single submitter. Criteria: Invitae Variant Classification Sherloc (09022015). Collection method: clinical testing. Allele origin: germline.
Comment: This sequence change creates a premature translational stop signal (p.Glu386*) in the NPHS1 gene. It is expected to result in an absent or disrupted protein product. This variant is not present in population databases (ExAC no frequency). For these reasons, this variant has been classified as Pathogenic. Loss-of-function variants in NPHS1 are known to be pathogenic (PMID: 11317351, 11854170, 12039988). This variant has not been reported in the literature in individuals with NPHS1-related conditions.

Literature cited by the submitters: PubMed 11317351; PubMed 11854170; PubMed 12039988.

NM_004646.4(NPHS1):c.1156G>T (p.Glu386Ter)

Gene: NPHS1 (NPHS1 adhesion molecule, nephrin; minus strand). Cytogenetic location: 19q13.12.
Variant type: single nucleotide variant.
Coding change: c.1156G>T on transcript NM_004646.4 (MANE Select); coding-DNA position 1156, G replaced by T.
Protein change: p.Glu386Ter; replaces glutamic acid 386 with a stop codon.
Molecular consequence: nonsense.
Genome position (GRCh38, 1-based): chr19:35,848,651, C>A on the plus strand (G>T on the coding strand, the complement: NPHS1 is on the minus strand). VCF-style: chr19-35848651-C-A. GRCh37 (hg19) VCF-style: chr19-36339553-C-A.
Other names: short protein forms E386*.
Identifiers: ClinVar variation 963113 (VCV000963113.7), dbSNP rs1973180778, ClinGen allele CA405406186.